The following is an entry in ClinVar:

ClinVar aggregate classification (germline): Benign/Likely benign. Review status: criteria provided, multiple submitters, no conflicts (2 of 4 stars). 3 submissions from 3 submitters: Benign (1); Likely benign (2). Last evaluated 2026-02-04.

Conditions:
Hereditary cancer-predisposing syndrome. Also called: Neoplastic Syndromes, Hereditary; Hereditary Cancer Syndrome; Tumor predisposition; Hereditary neoplastic syndrome. Identifiers: Orphanet 140162, MedGen C0027672, MeSH D009386, MONDO:0015356.
Familial cancer of breast. Also called: Hereditary breast cancer; BREAST CANCER, FAMILIAL; hereditary breast carcinoma. Identifiers: Orphanet 227535, MedGen C0346153, MONDO:0016419, OMIM 114480. Disease mechanism: loss of function.
Ataxia-telangiectasia syndrome (AT). Also called: LOUIS-BAR SYNDROME; Cerebello-oculocutaneous telangiectasia; Immunodeficiency with ataxia telangiectasia; Ataxia-telangiectasia, complementation group D; AT, COMPLEMENTATION GROUP C; Ataxia-telangiectasia, complementation group E. Identifiers: Orphanet 100, MedGen C0004135, MONDO:0008840, OMIM 208900.

gnomAD v4.1: 2 of 1,614,216 alleles (0.00012%); highest among the groups gnomAD compares: African/African-American, 0.0013%; no homozygotes.

Submissions (3):

Labcorp Genetics (formerly Invitae), Labcorp
Classification: Likely benign for Ataxia-telangiectasia syndrome. Last evaluated: 2026-02-04. Review status: criteria provided, single submitter. Criteria: Invitae Variant Classification Sherloc (09022015). Collection method: clinical testing. Allele origin: germline.

Myriad Genetics, Inc.
Classification: Benign for Familial cancer of breast. Last evaluated: 2024-06-13. Review status: criteria provided, single submitter. Criteria: Myriad Autosomal Dominant, Autosomal Recessive and X-Linked Classification Criteria (2023). Collection method: clinical testing. Allele origin: unknown.
Comment: This variant is considered benign. This variant is a silent/synonymous amino acid change and it is not expected to impact splicing.

Ambry Genetics
Classification: Likely benign for Hereditary cancer-predisposing syndrome. Last evaluated: 2017-06-16. Review status: criteria provided, single submitter. Criteria: Ambry Variant Classification Scheme 2023. Collection method: clinical testing. Allele origin: germline.

NM_000051.4(ATM):c.7410T>C (p.Tyr2470=)

Genes: ATM (ATM serine/threonine kinase; plus strand), C11orf65 (chromosome 11 open reading frame 65; minus strand). Cytogenetic location: 11q22.3.
Variant type: single nucleotide variant.
Coding change: c.7410T>C on transcript NM_000051.4 (MANE Select); coding-DNA position 7410, T replaced by C.
Protein change: p.Tyr2470=; no amino-acid change (tyrosine 2470 retained).
Molecular consequence: synonymous variant. On other transcripts: intron variant (2).
Genome position (GRCh38, 1-based): chr11:108,330,316, T>C. VCF-style: chr11-108330316-T-C. GRCh37 (hg19) VCF-style: chr11-108201043-T-C.
Other names: c.7410T>C, p.Tyr2470= (NM_001351834.2); c.641-21245A>G (NM_001330368.2); c.*38+4904A>G (NM_001351110.2).
Identifiers: ClinVar variation 485235 (VCV000485235.17), dbSNP rs1555123144, ClinGen allele CA476676912.